The following is an entry in ClinVar:

NM_001377.3(DYNC2H1):c.3573+128A>C

Gene: DYNC2H1 (dynein cytoplasmic 2 heavy chain 1; plus strand). Cytogenetic location: 11q22.3.
Variant type: single nucleotide variant.
Coding change: c.3573+128A>C on transcript NM_001377.3 (MANE Select); 128 bases into the intron after coding-DNA position 3573, A replaced by C.
Molecular consequence: intron variant.
Genome position (GRCh38, 1-based): chr11:103,154,937, A>C. VCF-style: chr11-103154937-A-C. GRCh37 (hg19) VCF-style: chr11-103025666-A-C.
Other names: c.3573+128A>C (NM_001080463.2).
Identifiers: ClinVar variation 669446 (VCV000669446.1), dbSNP rs72989733, ClinGen allele CA13523521.

ClinVar aggregate classification (germline): Benign (1 of 4 stars; one submission).

Allele frequency attached by ClinVar (database versions not stated): 1000 Genomes Project 0.03335; 1000 Genomes Project 30x 0.03498; gnomAD 0.04357; TOPMed 0.05112; gnomAD exomes 0.06695.
gnomAD v4.1: 44,398 of 704,374 alleles (6.3%); highest among the groups gnomAD compares: Non-Finnish European, 7.5%; 1,681 homozygotes.

Submission:

GeneDx
Classification: Benign. Last evaluated: 2018-06-19. Review status: criteria provided, single submitter. Criteria: GeneDx Variant Classification (06012015). Collection method: clinical testing. Allele origin: germline. Affected: yes.
Comment: This variant is considered likely benign or benign based on one or more of the following criteria: it is a conservative change, it occurs at a poorly conserved position in the protein, it is predicted to be benign by multiple in silico algorithms, and/or has population frequency not consistent with disease.